The following is an entry in ClinVar:

ClinVar aggregate classification (germline): Likely benign. Review status: criteria provided, multiple submitters, no conflicts (2 of 4 stars). 4 submissions from 4 submitters: Likely benign (4). Last evaluated 2025-10-13.

Conditions:
Meckel-Gruber syndrome. Also called: DYSENCEPHALIA SPLANCHNOCYSTICA; GRUBER SYNDROME; Dysencephalia splachnocystica. Identifiers: Orphanet 564, MedGen C0265215, MONDO:0018921.
Joubert syndrome. Also called: Familial aplasia of the vermis; JOUBERT-BOLTSHAUSER SYNDROME. Identifiers: Orphanet 475, MedGen C5979921, MONDO:0018772.
Meckel syndrome, type 5 (MKS5). Identifiers: Orphanet 564, MedGen C1969052, MONDO:0012695, OMIM 611561.
COACH syndrome 3. Identifiers: MedGen C5436841, MONDO:0030862, OMIM 619113.
Joubert syndrome 7 (JBTS7). Identifiers: Orphanet 220497, MedGen C1969053, MONDO:0012694, OMIM 611560.

Allele frequency attached by ClinVar (database versions not stated): gnomAD 0.00005; gnomAD exomes 0.00005 and 0.00007; TOPMed 0.00005; ExAC 0.00007; ESP Exome Variant Server 0.00008.
gnomAD v4.1: 103 of 1,567,234 alleles (0.0066%); highest among the groups gnomAD compares: Non-Finnish European, 0.009%; no homozygotes.

Submissions (4):

Labcorp Genetics (formerly Invitae), Labcorp
Classification: Likely benign for Joubert syndrome; Meckel-Gruber syndrome. Last evaluated: 2025-10-13. Review status: criteria provided, single submitter. Criteria: Invitae Variant Classification Sherloc (09022015). Collection method: clinical testing. Allele origin: germline.

Blueprint Genetics
Classification: Likely benign. Last evaluated: 2024-02-05. Review status: criteria provided, single submitter. Criteria: ACMG Guidelines, 2015. Collection method: clinical testing. Allele origin: germline.

Fulgent Genetics
Classification: Likely benign for Joubert syndrome 7; Meckel syndrome, type 5; COACH syndrome 3. Last evaluated: 2021-12-11. Review status: criteria provided, single submitter. Criteria: ACMG Guidelines, 2015. Collection method: clinical testing. Allele origin: unknown.

GeneDx
Classification: Likely benign. Last evaluated: 2016-02-11. Review status: criteria provided, single submitter. Criteria: GeneDx Variant Classification (06012015). Collection method: clinical testing. Allele origin: germline. Affected: yes.
Comment: This variant is considered likely benign or benign based on one or more of the following criteria: it is a conservative change, it occurs at a poorly conserved position in the protein, it is predicted to be benign by multiple in silico algorithms, and/or has population frequency not consistent with disease.

NM_015272.5(RPGRIP1L):c.3701+14G>A

Gene: RPGRIP1L (RPGRIP1 like; minus strand). Cytogenetic location: 16q12.2.
Variant type: single nucleotide variant.
Coding change: c.3701+14G>A on transcript NM_015272.5 (MANE Select); 14 bases into the intron after coding-DNA position 3701, G replaced by A.
Molecular consequence: intron variant.
Genome position (GRCh38, 1-based): chr16:53,610,953, C>T on the plus strand (G>A on the coding strand, the complement: RPGRIP1L is on the minus strand). VCF-style: chr16-53610953-C-T. GRCh37 (hg19) VCF-style: chr16-53644865-C-T.
Other names: c.3461+14G>A (NM_001127897.4); c.3599+14G>A (NM_001330538.2); c.3563+14G>A (NM_001308334.3).
Identifiers: ClinVar variation 383641 (VCV000383641.12), dbSNP rs370009233, ClinGen allele CA8057214.